The following is an entry in ClinVar:

ClinVar aggregate classification (germline): Conflicting classifications of pathogenicity. Review status: criteria provided, conflicting classifications (1 of 4 stars). 11 submissions from 7 submitters: Uncertain significance (8); Likely benign (3). Last evaluated 2025-08-19.

Conditions:
TTN-related disorder. Also called: TTN-related disorders; TTN-related condition; TTN-related disease.
Dilated cardiomyopathy 1G (CMD1G). Identifiers: Orphanet 154, MedGen C1858763, MONDO:0011400, OMIM 604145.
Early-onset myopathy with fatal cardiomyopathy (CMYO5). Also called: CONGENITAL MYOPATHY 5 WITH CARDIOMYOPATHY; Salih Myopathy. Identifiers: Orphanet 289377, MedGen C2673677, MONDO:0012714, OMIM 611705. Disease mechanism: loss of function.
Tibial muscular dystrophy (TMD). Also called: Tibial muscular dystrophy, tardive; Udd Distal Myopathy – Tibial Muscular Dystrophy; UDD MYOPATHY. Identifiers: Orphanet 609, MedGen C1838244, MONDO:0010870, OMIM 600334.
Autosomal recessive limb-girdle muscular dystrophy type 2J (LGMDR10). Also called: Limb-girdle muscular dystrophy, type 2J; MUSCULAR DYSTROPHY, LIMB-GIRDLE, AUTOSOMAL RECESSIVE 10. Identifiers: Orphanet 140922, MedGen C1837342, MONDO:0012127, OMIM 608807.
Myopathy, myofibrillar, 9, with early respiratory failure (MFM9). Also called: Myopathy, distal, with early respiratory failure, autosomal dominant; MYOPATHY, PROXIMAL, WITH EARLY RESPIRATORY MUSCLE INVOLVEMENT; Hereditary myopathy with early respiratory failure; EDSTROM MYOPATHY. Identifiers: Orphanet 178464, Orphanet 34521, MedGen C1863599, MONDO:0011362, OMIM 603689.

Allele frequency attached by ClinVar (database versions not stated): gnomAD exomes 0.00002; TOPMed 0.00002; ExAC 0.00003; gnomAD 0.00004; ESP Exome Variant Server 0.00008.
gnomAD v4.1: 116 of 1,613,160 alleles (0.0072%); highest among the groups gnomAD compares: Non-Finnish European, 0.009%; no homozygotes.

Submissions (11):

PreventionGenetics, part of Exact Sciences
Classification: Uncertain significance for TTN-related condition. Last evaluated: 2025-08-19. Review status: criteria provided, single submitter. Criteria: ACMG Guidelines, 2015. Collection method: clinical testing. Allele origin: germline.
Comment: The TTN c.65173G>A variant is predicted to result in the amino acid substitution p.Val21725Ile. To our knowledge, this variant has not been reported in the literature in individuals with TTN-related disorders. This variant is reported in 0.0055% of alleles in individuals of European (Non-Finnish) descent in gnomAD. At this time, the clinical significance of this variant is uncertain due to the absence of conclusive functional and genetic evidence.

Molecular Diagnostic Laboratory for Inherited Cardiovascular Disease, Montreal Heart Institute
Classification: Likely benign. Last evaluated: 2025-04-09. Review status: criteria provided, single submitter. Criteria: ACMG Guidelines, 2015. Collection method: clinical testing. Allele origin: germline. Affected: no.

Mayo Clinic Laboratories, Mayo Clinic
Classification: Uncertain significance. Last evaluated: 2023-08-10. Review status: criteria provided, single submitter. Criteria: ACMG Guidelines, 2015. Collection method: clinical testing. Allele origin: germline. Observed: 1 variant allele.
Comment: BP4

GeneDx
Classification: Likely benign. Last evaluated: 2020-02-04. Review status: criteria provided, single submitter. Criteria: GeneDx Variant Classification Process June 2021. Collection method: clinical testing. Allele origin: germline. Affected: yes.

Eurofins Ntd Llc (ga)
Classification: Uncertain significance. Last evaluated: 2018-02-11. Review status: criteria provided, single submitter. Criteria: EGL ClinVar v180209 classification definitions. Collection method: clinical testing. Allele origin: germline. Observed: 1 variant allele, 1 heterozygote.

Illumina Laboratory Services, Illumina
Classification: Uncertain significance for Myopathy, myofibrillar, 9, with early respiratory failure. Last evaluated: 2018-01-13. Review status: criteria provided, single submitter. Criteria: ICSL Variant Classification Criteria 13 December 2019. Collection method: clinical testing. Allele origin: germline.

Illumina Laboratory Services, Illumina
Classification: Uncertain significance for Autosomal recessive limb-girdle muscular dystrophy type 2J. Last evaluated: 2018-01-13. Review status: criteria provided, single submitter. Criteria: ICSL Variant Classification Criteria 13 December 2019. Collection method: clinical testing. Allele origin: germline.

Illumina Laboratory Services, Illumina
Classification: Uncertain significance for Dilated cardiomyopathy 1G. Last evaluated: 2018-01-13. Review status: criteria provided, single submitter. Criteria: ICSL Variant Classification Criteria 13 December 2019. Collection method: clinical testing. Allele origin: germline.

Illumina Laboratory Services, Illumina
Classification: Uncertain significance for Early-onset myopathy with fatal cardiomyopathy. Last evaluated: 2018-01-13. Review status: criteria provided, single submitter. Criteria: ICSL Variant Classification Criteria 13 December 2019. Collection method: clinical testing. Allele origin: germline.

Illumina Laboratory Services, Illumina
Classification: Uncertain significance for Tibial muscular dystrophy. Last evaluated: 2018-01-13. Review status: criteria provided, single submitter. Criteria: ICSL Variant Classification Criteria 13 December 2019. Collection method: clinical testing. Allele origin: germline.

Laboratory for Molecular Medicine, Mass General Brigham Personalized Medicine
Classification: Likely benign. Last evaluated: 2015-06-22. Review status: criteria provided, single submitter. Criteria: LMM Criteria. Collection method: clinical testing. Allele origin: germline. Observed: 1 variant allele.
Comment: p.Val19157Ile in exon 260 of TTN: This variant is not expected to have clinical significance due to a lack of conservation across species, including mammals. Of note, 10 mammals have a isoleucine (Ile) at this position despite high nearby a mino acid conservation. In addition, computational prediction tools do not sugge st a high likelihood of impact to the protein. It has been identified in 4/66388 European chromosomes by the Exome Aggregation Consortium (ExAC; dbSNP rs368716894).

NM_001267550.2(TTN):c.65173G>A (p.Val21725Ile)

Genes: TTN-AS1 (TTN antisense RNA 1; plus strand), TTN (titin; minus strand). Cytogenetic location: 2q31.2.
Variant type: single nucleotide variant.
Coding change: c.65173G>A on transcript NM_001267550.2 (MANE Select); coding-DNA position 65173, G replaced by A.
Protein change: p.Val21725Ile; replaces valine 21725 with isoleucine.
Molecular consequence: missense variant.
Genome position (GRCh38, 1-based): chr2:178,584,378, C>T on the plus strand (G>A on the coding strand, the complement: TTN is on the minus strand). VCF-style: chr2-178584378-C-T. GRCh37 (hg19) VCF-style: chr2-179449105-C-T.
Other names: p.Val20084Ile; c.60250G>A, p.Val20084Ile (NM_001256850.1); c.37978G>A, p.Val12660Ile (NM_003319.4); c.38353G>A, p.Val12785Ile (NM_133432.3); c.38554G>A, p.Val12852Ile (NM_133437.4); c.57469G>A, p.Val19157Ile (NM_133378.4); short protein forms V19157I, V21725I, V20084I, V12852I, V12660I, V12785I.
Identifiers: ClinVar variation 228125 (VCV000228125.19), dbSNP rs368716894, ClinGen allele CA1991765.